The following is an entry in ClinVar:

ClinVar aggregate classification (germline): Conflicting classifications of pathogenicity. Review status: criteria provided, conflicting classifications (1 of 4 stars). 3 submissions from 3 submitters: Uncertain significance (2); Likely benign (1). Last evaluated 2024-03-20.

Conditions:
Hereditary cancer-predisposing syndrome. Also called: Neoplastic Syndromes, Hereditary; Hereditary neoplastic syndrome; Tumor predisposition; Hereditary Cancer Syndrome. Identifiers: Orphanet 140162, MedGen C0027672, MeSH D009386, MONDO:0015356.
Familial thoracic aortic aneurysm and aortic dissection (TAAD). Also called: Thoracic aortic aneurysms and dissections. Identifiers: Orphanet 91387, MedGen C4707243, MONDO:0019625.
Juvenile polyposis syndrome (JPS). Identifiers: Orphanet 2929, MedGen C0345893, MONDO:0017380, OMIM 174900.

Submissions (3):

Labcorp Genetics (formerly Invitae), Labcorp
Classification: Likely benign for Juvenile polyposis syndrome. Last evaluated: 2024-03-20. Review status: criteria provided, single submitter. Criteria: Invitae Variant Classification Sherloc (09022015). Collection method: clinical testing. Allele origin: germline.

Ambry Genetics
Classification: Uncertain significance for Hereditary cancer-predisposing syndrome; Familial thoracic aortic aneurysm and aortic dissection. Last evaluated: 2023-07-03. Review status: criteria provided, single submitter. Criteria: Ambry Variant Classification Scheme 2023. Collection method: clinical testing. Allele origin: germline.
Comment: The c.249_249+6dupGGTTAGT intronic variant results from a duplication of a total of 7 nucleotides including the last nucleotide of coding exon 1 and 6 nucleotides in the intron 1 splice donor site of the SMAD4 gene. The nucleotide positions in the duplicated region are generally well conserved in available vertebrate species. In silico splice site analysis predicts that this alteration may result in the creation or strengthening of a novel splice donor site. RNA studies have demonstrated that this alteration does not result in abnormal splicing in the set of samples tested (Ambry internal data). This variant is considered to be rare based on population cohorts in the Genome Aggregation Database (gnomAD). Since supporting evidence is limited at this time, the clinical significance of this alteration remains unclear.

Color Diagnostics, LLC DBA Color Health
Classification: Uncertain significance for Hereditary cancer-predisposing syndrome. Last evaluated: 2018-12-11. Review status: criteria provided, single submitter. Criteria: ACMG Guidelines, 2015. Collection method: clinical testing. Allele origin: germline.

NM_005359.6(SMAD4):c.249_249+6dup

Gene: SMAD4 (SMAD family member 4; plus strand). Cytogenetic location: 18q21.2.
Variant type: Duplication.
Coding change: c.249_249+6dup on transcript NM_005359.6 (MANE Select); coding-DNA position 249 through 6 bases into the intron after coding-DNA position 249, 7 bases duplicated (GGTTAGT; older notation c.249_249+6dupGGTTAGT).
Molecular consequence: splice donor variant.
Genome position (GRCh38, 1-based): chr18:51,047,295-51,047,301, GGTTAGT duplicated. VCF-style (leftmost placement, unchanged base first): chr18-51047294-A-AGGTTAGT. GRCh37 (hg19) VCF-style: chr18-48573664-A-AGGTTAGT.
Other names: c.249_249+6dupGGTTAGT (NM_005359.5).
Identifiers: ClinVar variation 529931 (VCV000529931.13), dbSNP rs1555685040, ClinGen allele CA658799058.